The following is an entry in ClinVar:

ClinVar aggregate classification (germline): Pathogenic. Review status: criteria provided, multiple submitters, no conflicts (2 of 4 stars). 3 submissions from 3 submitters: Pathogenic (2). 1 of the submissions does not count toward it. Last evaluated 2023-06-23.

Conditions:
Hereditary cancer-predisposing syndrome. Also called: Hereditary neoplastic syndrome; Hereditary Cancer Syndrome; Tumor predisposition; Neoplastic Syndromes, Hereditary. Identifiers: Orphanet 140162, MedGen C0027672, MeSH D009386, MONDO:0015356.
Familial adenomatous polyposis 1 (FAP1). Also called: FAMILIAL ADENOMATOUS POLYPOSIS 1, ATTENUATED; POLYPOSIS, ADENOMATOUS INTESTINAL. Identifiers: MedGen C2713442, MONDO:0021056, OMIM 175100. Disease mechanism: loss of function.
Carcinoma of colon (CRC). Also called: Colon carcinoma; Colonic carcinoma. Identifiers: MedGen C0699790, MONDO:0002032.

Submissions (3):

Labcorp Genetics (formerly Invitae), Labcorp
Classification: Pathogenic for Familial adenomatous polyposis 1. Last evaluated: 2023-06-23. Review status: criteria provided, single submitter. Criteria: Invitae Variant Classification Sherloc (09022015). Collection method: clinical testing. Allele origin: germline.
Comment: For these reasons, this variant has been classified as Pathogenic. This variant has been observed in individual(s) with APC-related conditions (Invitae). In at least one individual the variant was observed to be de novo. ClinVar contains an entry for this variant (Variation ID: 433625). Algorithms developed to predict the effect of sequence changes on RNA splicing suggest that this variant may disrupt the consensus splice site. This variant is not present in population databases (gnomAD no frequency). This sequence change falls in intron 14 of the APC gene. It does not directly change the encoded amino acid sequence of the APC protein.

Ambry Genetics
Classification: Pathogenic for Hereditary cancer-predisposing syndrome. Last evaluated: 2022-12-30. Review status: criteria provided, single submitter. Criteria: Ambry Variant Classification Scheme 2023. Collection method: clinical testing. Allele origin: germline.
Comment: The c.1744-4C>G intronic pathogenic mutation results from a C to G substitution 4 nucleotides upstream from coding exon 14 in the APC gene. This nucleotide position is poorly conserved in available vertebrate species. This alteration has been observed in at least one individual who has a personal and/or family history that is consistent with APC-associated disease (Ambry internal data). In silico splice site analysis predicts that this alteration will weaken the native splice acceptor site and may result in the creation or strengthening of a novel splice acceptor site. RNA studies have demonstrated this alteration results in abnormal splicing in the set of samples tested (Ambry internal data). This variant is considered to be rare based on population cohorts in the Genome Aggregation Database (gnomAD). Based on the supporting evidence, this alteration is interpreted as a disease-causing mutation.

Department of Pathology and Laboratory Medicine, Sinai Health System
Classification: Uncertain significance for Carcinoma of colon. Review status: no assertion criteria provided. Collection method: clinical testing. Allele origin: unknown. Affected: yes. Study: The Canadian Open Genetics Repository (COGR). Not counted in ClinVar's aggregate classification.
Comment: The APC c.1744-4C>G variant was not identified in the literature nor was it identified in the ClinVar, Cosmic, MutDB, UMD-LSDB, Insight Colon Cancer Gene Variant Database, or the Zhejiang Colon Cancer Database. The variant was identified in the COGR database. The variant was not identified in the 1000 Genomes Project, the NHLBI GO Exome Sequencing Project or the Exome Aggregation Consortium (August 8th 2016) control databases. The c.1744-4C>G variant is located in the 3' splice region but does not affect the invariant -1 and -2 positions. In addition 3 of 5 in silico or computational prediction software programs (SpliceSiteFinder, MaxEntScan, NNSPLICE, GeneSplicer, HumanSpliceFinder) predict a greater than 10% difference in splicing. However, this information is not predictive enough to assume pathogenicity. In summary, based on the above information the clinical significance of this variant cannot be determined with certainty at this time. This variant is classified as a variant of uncertain significance.

NM_000038.6(APC):c.1744-4C>G

Gene: APC (APC regulator of Wnt signaling pathway; plus strand). Cytogenetic location: 5q22.2.
Variant type: single nucleotide variant.
Coding change: c.1744-4C>G on transcript NM_000038.6 (MANE Select); 4 bases into the intron before coding-DNA position 1744, C replaced by G.
Molecular consequence: intron variant.
Genome position (GRCh38, 1-based): chr5:112,834,947, C>G. VCF-style: chr5-112834947-C-G. GRCh37 (hg19) VCF-style: chr5-112170644-C-G.
Other names: c.1744-4C>G (NM_001354895.2, NM_001127510.3); c.1774-4C>G (NM_001354897.2); c.1471-4C>G (NM_001354902.2); c.1690-4C>G (NM_001127511.3); c.1669-4C>G (NM_001354898.2); c.1366-4C>G (NM_001354904.2); c.895-4C>G (NM_001354906.2); c.1798-4C>G (NM_001354896.2); and 5 more.
Identifiers: ClinVar variation 433625 (VCV000433625.10), dbSNP rs772745309, ClinGen allele CA645372420.